The following is an entry in ClinVar:

NM_000277.3(PAH):c.983C>A (p.Thr328Asn)

Gene: PAH (phenylalanine hydroxylase; minus strand). Cytogenetic location: 12q23.2.
Variant type: single nucleotide variant.
Coding change: c.983C>A on transcript NM_000277.3 (MANE Select); coding-DNA position 983, C replaced by A.
Protein change: p.Thr328Asn; replaces threonine 328 with asparagine.
Molecular consequence: missense variant.
Genome position (GRCh38, 1-based): chr12:102,844,418, G>T on the plus strand (C>A on the coding strand, the complement: PAH is on the minus strand). VCF-style: chr12-102844418-G-T. GRCh37 (hg19) VCF-style: chr12-103238196-G-T.
Other names: NM_000277.1:c.983C>A; c.983C>A, p.Thr328Asn (NM_001354304.2); short protein forms T328N.
Identifiers: ClinVar variation 1327556 (VCV001327556.1), dbSNP rs886042096, ClinGen allele CA16020914.

ClinVar aggregate classification (germline): Uncertain significance (3 of 4 stars; one submission).

Conditions:
Phenylketonuria (PKU). Also called: Phenylketonuria (PKU); FOLLING DISEASE; OLIGOPHRENIA PHENYLPYRUVICA; Phenylketonurias. Identifiers: Orphanet 716, MedGen C0031485, MONDO:0009861, OMIM 261600. Disease mechanism: loss of function.

Submission:

ClinGen PAH Variant Curation Expert Panel
Classification: Uncertain significance for Phenylketonuria. Last evaluated: 2020-08-10. Review status: reviewed by expert panel. Criteria: ClinGen PAH ACMG Specifications v1. Collection method: curation. Allele origin: germline. Inheritance: Autosomal recessive inheritance.
Comment: This variant is absent in population databases. Multiple lines of computational evidence support a deleterious effect. In summary, this variant meets criteria to be classified as uncertain significance for PAH. PAH-specific ACMG/AMP criteria applied: PP4_Moderate, PM2, PP3.

Literature cited by the submitters: PubMed 26503515.